The following is an entry in ClinVar:

NM_022552.5(DNMT3A):c.1271C>T (p.Pro424Leu)

Gene: DNMT3A (DNA methyltransferase 3 alpha; minus strand). Cytogenetic location: 2p23.3.
Variant type: single nucleotide variant.
Coding change: c.1271C>T on transcript NM_022552.5 (MANE Select); coding-DNA position 1271, C replaced by T.
Protein change: p.Pro424Leu; replaces proline 424 with leucine.
Molecular consequence: missense variant. On other transcripts: non-coding transcript variant (1).
Genome position (GRCh38, 1-based): chr2:25,246,628, G>A on the plus strand (C>T on the coding strand, the complement: DNMT3A is on the minus strand). VCF-style: chr2-25246628-G-A. GRCh37 (hg19) VCF-style: chr2-25469497-G-A.
Other names: c.815C>T, p.Pro272Leu (NM_001320893.1); c.602C>T, p.Pro201Leu (NM_001375819.1); c.704C>T, p.Pro235Leu (NM_153759.3); c.1271C>T, p.Pro424Leu (NM_175629.2); short protein forms P201L, P272L, P235L, P424L.
Identifiers: ClinVar variation 4844024 (VCV004844024.1).
Genomic context (GRCh38, chr2:25,246,628, plus strand): 5'-GTGGATCTGCCTGGCGGGCAGGGGTCCCAGAAAGCTGGGTGCCCTCATTTACCTTCTGGT[G>A]GCTCCAGGCCCTTAGGGCCAGAAGGCTGGAAGCCCCCCAGGGCCCATTCAATCATGGGCT-3'
Protein context (NP_072046.2, residues 414-434): FQPSGPKGLE[Pro424Leu]PEEEKNPYKE

ClinVar aggregate classification (germline): Uncertain significance (1 of 4 stars; one submission).

Conditions:
Inborn genetic diseases. Identifiers: MedGen C0950123, MeSH D030342.

Submission:

Ambry Genetics
Classification: Uncertain significance for Inborn genetic diseases. Last evaluated: 2025-12-29. Review status: criteria provided, single submitter. Criteria: Ambry Variant Classification Scheme 2023. Collection method: clinical testing. Allele origin: germline.
Comment: The p.P424L variant (also known as c.1271C>T), located in coding exon 9 of the DNMT3A gene, results from a C to T substitution at nucleotide position 1271. The proline at codon 424 is replaced by leucine, an amino acid with similar properties. This amino acid position is conserved. In addition, the in silico prediction for this alteration is inconclusive. Based on the available evidence, the clinical significance of this variant remains unclear.